The following is an entry in ClinVar:

NM_000722.4(CACNA2D1):c.1259G>A (p.Arg420Lys)

Genes: CACNA2D1-AS1 (CACNA2D1 antisense RNA 1; plus strand), CACNA2D1 (calcium voltage-gated channel auxiliary subunit alpha2delta 1; minus strand). Cytogenetic location: 7q21.11.
Variant type: single nucleotide variant.
Coding change: c.1259G>A on transcript NM_000722.4 (MANE Select); coding-DNA position 1259, G replaced by A.
Protein change: p.Arg420Lys; replaces arginine 420 with lysine.
Molecular consequence: missense variant.
Genome position (GRCh38, 1-based): chr7:82,013,474, C>T on the plus strand (G>A on the coding strand, the complement: CACNA2D1 is on the minus strand). VCF-style: chr7-82013474-C-T. GRCh37 (hg19) VCF-style: chr7-81642790-C-T.
Other names: c.1259G>A, p.Arg420Lys (NM_001366867.1); c.1259G>A (LRG_437t1); short protein forms R420K.
Identifiers: ClinVar variation 264275 (VCV000264275.9), dbSNP rs886039110, ClinGen allele CA10587648.

ClinVar aggregate classification (germline): Uncertain significance. Review status: criteria provided, multiple submitters, no conflicts (2 of 4 stars). 2 submissions from 2 submitters: Uncertain significance (2). Last evaluated 2022-01-26.

Conditions:
Cardiovascular phenotype. Identifiers: MedGen CN230736.
Brugada syndrome. Also called: Sudden unexpected nocturnal death syndrome; Sudden Unexplained Death Syndrome; Sudden Unexplained Nocturnal Death Syndrome (SUNDS); Sudden unexplained nocturnal death syndrome. Identifiers: Orphanet 130, MedGen C1142166, MONDO:0015263.

Submissions (2):

Labcorp Genetics (formerly Invitae), Labcorp
Classification: Uncertain significance for Brugada syndrome. Last evaluated: 2022-01-26. Review status: criteria provided, single submitter. Criteria: Invitae Variant Classification Sherloc (09022015). Collection method: clinical testing. Allele origin: germline.
Comment: In summary, the available evidence is currently insufficient to determine the role of this variant in disease. Therefore, it has been classified as a Variant of Uncertain Significance. Algorithms developed to predict the effect of missense changes on protein structure and function are either unavailable or do not agree on the potential impact of this missense change (SIFT: "Tolerated"; PolyPhen-2: "Probably Damaging"; Align-GVGD: "Class C0"). ClinVar contains an entry for this variant (Variation ID: 264275). This variant has not been reported in the literature in individuals affected with CACNA2D1-related conditions. This variant is not present in population databases (gnomAD no frequency). This sequence change replaces arginine, which is basic and polar, with lysine, which is basic and polar, at codon 420 of the CACNA2D1 protein (p.Arg420Lys).

Ambry Genetics
Classification: Uncertain significance for Cardiovascular phenotype. Last evaluated: 2015-09-04. Review status: criteria provided, single submitter. Criteria: Ambry Variant Classification Scheme 2023. Collection method: clinical testing. Allele origin: germline.
Comment: The p.R420K variant (also known as c.1259G>A), located in coding exon 14 of the CACNA2D1 gene, results from a G to A substitution at nucleotide position 1259. The arginine at codon 420 is replaced by lysine, an amino acid with highly similar properties. This variant was not reported in population based cohorts in the following databases: Database of Single Nucleotide Polymorphisms (dbSNP), NHLBI Exome Sequencing Project (ESP), and 1000 Genomes Project. In the ESP, this variant was not observed in 5610 samples (11220 alleles) with coverage at this position. This amino acid position is well conserved in available vertebrate species. In addition, this alteration is predicted to be tolerated by in silico analysis. Since supporting evidence is limited at this time, the clinical significance of this variant remains unclear.